The following is an entry in ClinVar:

ClinVar aggregate classification (germline): Likely benign. Review status: criteria provided, multiple submitters, no conflicts (2 of 4 stars). 2 submissions from 2 submitters: Likely benign (2). Last evaluated 2018-04-09.

Submissions (2):

GeneDx
Classification: Likely benign. Last evaluated: 2018-04-09. Review status: criteria provided, single submitter. Criteria: GeneDx Variant Classification (06012015). Collection method: clinical testing. Allele origin: germline. Affected: yes.
Comment: This variant is considered likely benign or benign based on one or more of the following criteria: it is a conservative change, it occurs at a poorly conserved position in the protein, it is predicted to be benign by multiple in silico algorithms, and/or has population frequency not consistent with disease.

Breakthrough Genomics
Classification: Likely benign. Review status: criteria provided, single submitter. Criteria: ACMG Guidelines, 2015. Collection method: not provided. Allele origin: germline. Inheritance: Autosomal recessive inheritance. Affected: yes.

NM_000098.3(CPT2):c.1646-11G>A

Gene: CPT2 (carnitine palmitoyltransferase 2; plus strand). Cytogenetic location: 1p32.3.
Variant type: single nucleotide variant.
Coding change: c.1646-11G>A on transcript NM_000098.3 (MANE Select); 11 bases into the intron before coding-DNA position 1646, G replaced by A.
Molecular consequence: intron variant.
Genome position (GRCh38, 1-based): chr1:53,213,253, G>A. VCF-style: chr1-53213253-G-A. GRCh37 (hg19) VCF-style: chr1-53678925-G-A.
Other names: c.1577-11G>A (NM_001330589.2).
Identifiers: ClinVar variation 681588 (VCV000681588.2), dbSNP rs781302472, ClinGen allele CA915941291.
Genomic context (GRCh38, chr1:53,213,253, plus strand): 5'-GGTGAGTTGGGAGGTTTTCCTGAGGTCCTTTTCCATCCTGAGACTCTGGTTTTCCATTTT[G>A]TTTCTCACAGGCCAGGGCTTTGACCGACACTTGTTTGCTCTGCGGCATCTGGCAGCAGCC-3'